The following is an entry in ClinVar:

ClinVar aggregate classification (germline): Uncertain significance (1 of 4 stars; one submission).

gnomAD v4.1: 3 of 1,613,736 alleles (0.00019%); highest among the groups gnomAD compares: Non-Finnish European, 0.00025%; no homozygotes.

Submission:

Labcorp Genetics (formerly Invitae), Labcorp
Classification: Uncertain significance. Last evaluated: 2024-05-25. Review status: criteria provided, single submitter. Criteria: Invitae Variant Classification Sherloc (09022015). Collection method: clinical testing. Allele origin: germline.
Comment: This sequence change replaces isoleucine, which is neutral and non-polar, with valine, which is neutral and non-polar, at codon 176 of the CFI protein (p.Ile176Val). This variant is not present in population databases (gnomAD no frequency). This variant has not been reported in the literature in individuals affected with CFI-related conditions. Advanced modeling of protein sequence and biophysical properties (such as structural, functional, and spatial information, amino acid conservation, physicochemical variation, residue mobility, and thermodynamic stability) performed at Invitae indicates that this missense variant is not expected to disrupt CFI protein function with a negative predictive value of 80%. In summary, the available evidence is currently insufficient to determine the role of this variant in disease. Therefore, it has been classified as a Variant of Uncertain Significance.

NM_000204.5(CFI):c.526A>G (p.Ile176Val)

Gene: CFI (complement factor I; minus strand). Cytogenetic location: 4q25.
Variant type: single nucleotide variant.
Coding change: c.526A>G on transcript NM_000204.5 (MANE Select); coding-DNA position 526, A replaced by G.
Protein change: p.Ile176Val; replaces isoleucine 176 with valine.
Molecular consequence: missense variant. On other transcripts: 5 prime UTR variant (1), non-coding transcript variant (3).
Genome position (GRCh38, 1-based): chr4:109,761,649, T>C on the plus strand (A>G on the coding strand, the complement: CFI is on the minus strand). VCF-style: chr4-109761649-T-C. GRCh37 (hg19) VCF-style: chr4-110682805-T-C.
Other names: c.526A>G, p.Ile176Val (NM_001318057.2, NM_001331035.2, NM_001375278.1 and 5 more transcripts); c.-84A>G (NM_001375284.1); short protein forms I176V.
Identifiers: ClinVar variation 3681666 (VCV003681666.2).
Genomic context (GRCh38, chr4:109,761,649, plus strand): 5'-ATTCAGCCAAACTGGTCTCTAATCCTCGGCAATGCACATGTAGACATTCAGTGGAATTTA[T>C]AGAGAGATCAGACAACTTAAACCTTCTTTGAGTATCAGCACCTCTGCAAATAGAATAAAG-3'
Protein context (NP_000195.3, residues 166-186): QRRFKLSDLS[Ile176Val]NSTECLHVHC